The following is an entry in ClinVar:

NM_014915.3(ANKRD26):c.1780C>G (p.Gln594Glu)

Gene: ANKRD26 (ankyrin repeat domain containing 26; minus strand). Cytogenetic location: 10p12.1.
Variant type: single nucleotide variant.
Coding change: c.1780C>G on transcript NM_014915.3 (MANE Select); coding-DNA position 1780, C replaced by G.
Protein change: p.Gln594Glu; replaces glutamine 594 with glutamic acid.
Molecular consequence: missense variant.
Genome position (GRCh38, 1-based): chr10:27,048,835, G>C on the plus strand (C>G on the coding strand, the complement: ANKRD26 is on the minus strand). VCF-style: chr10-27048835-G-C. GRCh37 (hg19) VCF-style: chr10-27337764-G-C.
Other names: c.1780C>G, p.Gln594Glu (NM_001256053.2); short protein forms Q594E.
Identifiers: ClinVar variation 3361987 (VCV003361987.2).
Genomic context (GRCh38, chr10:27,048,835, plus strand): 5'-TGCTGTTAAATATGCTATCAGCTTACCTAGCATACTCTTTATTTTCCTTCCTGGGAAATT[G>C]CTGATGATCAGTTTCTCCACTCTTTCTTTTTTGAATTAATCCATCATCATCATCATCATC-3'
Protein context (NP_055730.2, residues 584-604): KRKSGETDHQ[Gln594Glu]FPRKENKEYA

ClinVar aggregate classification (germline): Uncertain significance. Review status: criteria provided, multiple submitters, no conflicts (2 of 4 stars). 2 submissions from 2 submitters: Uncertain significance (2). Last evaluated 2025-07-09.

Conditions:
Inborn genetic diseases. Identifiers: MedGen C0950123, MeSH D030342.

Submissions (2):

Ambry Genetics
Classification: Uncertain significance for Inborn genetic diseases. Last evaluated: 2025-07-09. Review status: criteria provided, single submitter. Criteria: Ambry Variant Classification Scheme 2023. Collection method: clinical testing. Allele origin: germline.
Comment: The p.Q594E variant (also known as c.1780C>G), located in coding exon 17 of the ANKRD26 gene, results from a C to G substitution at nucleotide position 1780. The glutamine at codon 594 is replaced by glutamic acid, an amino acid with highly similar properties. This amino acid position is conserved. In addition, this alteration is predicted to be tolerated by in silico analysis. Based on the available evidence, the clinical significance of this variant remains unclear.

GeneDx
Classification: Uncertain significance. Last evaluated: 2023-05-23. Review status: criteria provided, single submitter. Criteria: GeneDx Variant Classification Process June 2021. Collection method: clinical testing. Allele origin: germline. Affected: yes.
Comment: Not observed at significant frequency in large population cohorts (gnomAD); In silico analysis supports that this missense variant does not alter protein structure/function; Has not been previously published as pathogenic or benign to our knowledge